The following is an entry in ClinVar:

ClinVar aggregate classification (germline): Uncertain significance (0 of 4 stars; one submission).

Conditions:
UGT1A1-related disorder. Also called: UGT1A1-related disorders; UGT1A1-related condition.

Submission:

PreventionGenetics, part of Exact Sciences
Classification: Uncertain significance for UGT1A1-related condition. Last evaluated: 2024-06-26. Review status: no assertion criteria provided. Collection method: clinical testing. Allele origin: germline.
Comment: The UGT1A1 c.807G>A variant is predicted to result in the amino acid substitution p.Met269Ile. To our knowledge, this variant has not been reported in the literature or in a large population database, indicating this variant is rare. At this time, the clinical significance of this variant is uncertain due to the absence of conclusive functional and genetic evidence.

NM_000463.3(UGT1A1):c.807G>A (p.Met269Ile)

Genes: UGT1A (UDP glucuronosyltransferase family 1 member A complex locus; plus strand), UGT1A1 (UDP glucuronosyltransferase family 1 member A1; plus strand), UGT1A10 (UDP glucuronosyltransferase family 1 member A10; plus strand), UGT1A3 (UDP glucuronosyltransferase family 1 member A3; plus strand), UGT1A4 (UDP glucuronosyltransferase family 1 member A4; plus strand) and 5 more. Cytogenetic location: 2q37.1.
Variant type: single nucleotide variant.
Coding change: c.807G>A on transcript NM_000463.3 (MANE Select); coding-DNA position 807, G replaced by A.
Protein change: p.Met269Ile; replaces methionine 269 with isoleucine.
Molecular consequence: missense variant. On other transcripts: intron variant (9).
Genome position (GRCh38, 1-based): chr2:233,761,094, G>A. VCF-style: chr2-233761094-G-A. GRCh37 (hg19) VCF-style: chr2-234669740-G-A.
Other names: c.856-5940G>A (NM_019076.5, NM_019075.4, NM_021027.3 and 1 more transcripts); c.61-5940G>A (NM_205862.3); c.862-5940G>A (NM_001072.4); c.868-5940G>A (NM_019078.2, NM_007120.3, NM_019093.4); short protein forms M269I.
Identifiers: ClinVar variation 3347138 (VCV003347138.1).
Genomic context (GRCh38, chr2:233,761,094, plus strand): 5'-CTCTGCATCTGTCTGGCTGTTTAGAAGTGACTTTGTGAAGGATTACCCTAGGCCCATCAT[G>A]CCCAATATGGTTTTTGTTGGTGGAATCAACTGCCTTCACCAAAATCCACTATCCCAGGTG-3'
Protein context (NP_000454.1, residues 259-279): DFVKDYPRPI[Met269Ile]PNMVFVGGIN